The following is an entry in ClinVar:

NM_024675.4(PALB2):c.2107_2109dup (p.Leu704dup)

Gene: PALB2 (partner and localizer of BRCA2; minus strand). Cytogenetic location: 16p12.2.
Variant type: Duplication.
Coding change: c.2107_2109dup on transcript NM_024675.4 (MANE Select); coding-DNA positions 2107 to 2109, 3 bases duplicated (TTA; older notation c.2107_2109dupTTA).
Protein change: p.Leu704dup; duplicates leucine 704.
Molecular consequence: inframe insertion.
Genome position (GRCh38, 1-based): chr16:23,630,045-23,630,047, TAA duplicated on the plus strand (TTA on the coding strand, the reverse complement: PALB2 is on the minus strand); duplicating any 3 consecutive bases within chr16:23,630,045-23,630,049 gives the same sequence; the c. name uses the placement nearest the transcript's 3' end. VCF-style (leftmost placement, unchanged base first): chr16-23630044-G-GTAA. GRCh37 (hg19) VCF-style: chr16-23641365-G-GTAA.
Other names: c.2107_2109dupTTA (NM_024675.3).
Identifiers: ClinVar variation 628792 (VCV000628792.3), dbSNP rs1567218077, ClinGen allele CA913188757.

ClinVar aggregate classification (germline): Uncertain significance. Review status: criteria provided, multiple submitters, no conflicts (2 of 4 stars). 2 submissions from 2 submitters: Uncertain significance (2). Last evaluated 2025-01-16.

Conditions:
Hereditary cancer-predisposing syndrome. Also called: Neoplastic Syndromes, Hereditary; Tumor predisposition; Hereditary neoplastic syndrome; Hereditary Cancer Syndrome. Identifiers: Orphanet 140162, MedGen C0027672, MeSH D009386, MONDO:0015356.

Submissions (2):

Ambry Genetics
Classification: Uncertain significance for Hereditary cancer-predisposing syndrome. Last evaluated: 2025-01-16. Review status: criteria provided, single submitter. Criteria: Ambry Variant Classification Scheme 2023. Collection method: clinical testing. Allele origin: germline.
Comment: The c.2107_2109dupTTA variant (also known as p.L704dup), located in coding exon 5 of the PALB2 gene, results from an in-frame duplication of TTA at nucleotide positions 2107 to 2109. This results in the duplication of an leucine residue at codon 704. This amino acid position is highly conserved in available vertebrate species. In addition, the in silico prediction for this alteration is inconclusive (Choi Y et al. PLoS ONE. 2012; 7(10):e46688). Based on the available evidence, the clinical significance of this variant remains unclear.

Color Diagnostics, LLC DBA Color Health
Classification: Uncertain significance for Hereditary cancer-predisposing syndrome. Last evaluated: 2018-07-03. Review status: criteria provided, single submitter. Criteria: ACMG Guidelines, 2015. Collection method: clinical testing. Allele origin: germline.